The following is an entry in ClinVar:

ClinVar aggregate classification (germline): Uncertain significance (1 of 4 stars; one submission).

Conditions:
DICER1-related tumor predisposition. Also called: DICER1-related pleuropulmonary blastoma cancer predisposition syndrome; DICER1 syndrome. Identifiers: Orphanet 284343, MedGen C3839822, MONDO:0100216.

Submission:

Labcorp Genetics (formerly Invitae), Labcorp
Classification: Uncertain significance for DICER1-related tumor predisposition. Last evaluated: 2023-12-14. Review status: criteria provided, single submitter. Criteria: Invitae Variant Classification Sherloc (09022015). Collection method: clinical testing. Allele origin: germline.
Comment: This sequence change replaces lysine, which is basic and polar, with glutamic acid, which is acidic and polar, at codon 1021 of the DICER1 protein (p.Lys1021Glu). This variant is not present in population databases (gnomAD no frequency). This variant has not been reported in the literature in individuals affected with DICER1-related conditions. Advanced modeling of protein sequence and biophysical properties (such as structural, functional, and spatial information, amino acid conservation, physicochemical variation, residue mobility, and thermodynamic stability) performed at Invitae indicates that this missense variant is not expected to disrupt DICER1 protein function with a negative predictive value of 80%. In summary, the available evidence is currently insufficient to determine the role of this variant in disease. Therefore, it has been classified as a Variant of Uncertain Significance.

NM_177438.3(DICER1):c.3061A>G (p.Lys1021Glu)

Gene: DICER1 (dicer 1, ribonuclease III; minus strand). Cytogenetic location: 14q32.13.
Variant type: single nucleotide variant.
Coding change: c.3061A>G on transcript NM_177438.3 (MANE Select); coding-DNA position 3061, A replaced by G.
Protein change: p.Lys1021Glu; replaces lysine 1021 with glutamic acid.
Molecular consequence: missense variant. On other transcripts: non-coding transcript variant (6).
Genome position (GRCh38, 1-based): chr14:95,105,710, T>C on the plus strand (A>G on the coding strand, the complement: DICER1 is on the minus strand). VCF-style: chr14-95105710-T-C. GRCh37 (hg19) VCF-style: chr14-95572047-T-C.
Other names: c.3061A>G, p.Lys1021Glu (NM_001195573.1, NM_001271282.3, NM_001291628.2 and 13 more transcripts); c.2779A>G, p.Lys927Glu (NM_001395686.1); c.2656A>G, p.Lys886Glu (NM_001395687.1, NM_001395688.1, NM_001395689.1 and 2 more transcripts); c.2494A>G, p.Lys832Glu (NM_001395691.1); c.1378A>G, p.Lys460Glu (NM_001395697.1); short protein forms K832E, K927E, K1021E, K460E, K886E.
Identifiers: ClinVar variation 2703078 (VCV002703078.3), dbSNP rs2542773486, ClinGen allele CA390878120.
Genomic context (GRCh38, chr14:95,105,710, plus strand): 5'-AGTTATGCTAGTACAATTAACTCATTACCTGTTTATTCTGCAGACTTTCCCATTTGGCTT[T>C]CCTCTTCTCAGCACTGCTTAAAGGAAGCGCTTTCCCCTTCTGATTCAAATGTCGAGGTGT-3'
Protein context (NP_803187.1, residues 1011-1031): ALPLSSAEKR[Lys1021Glu]AKWESLQNKQ